The following is an entry in ClinVar:

ClinVar aggregate classification (germline): Uncertain significance (1 of 4 stars; one submission).

Allele frequency attached by ClinVar (database versions not stated): ExAC 0.00001; gnomAD exomes 0.00001; ESP Exome Variant Server 0.00008; gnomAD 0.00011; TOPMed 0.00015.

Submission:

Labcorp Genetics (formerly Invitae), Labcorp
Classification: Uncertain significance. Last evaluated: 2025-04-14. Review status: criteria provided, single submitter. Criteria: Invitae Variant Classification Sherloc (09022015). Collection method: clinical testing. Allele origin: germline.
Comment: This sequence change affects the initiator methionine of the SFRP4 mRNA. The next in-frame methionine is located at codon 31. This variant is present in population databases (rs113389918, gnomAD 0.03%). This variant has not been reported in the literature in individuals affected with SFRP4-related conditions. ClinVar contains an entry for this variant (Variation ID: 1898294). Experimental studies and prediction algorithms are not available or were not evaluated, and the functional significance of this variant is currently unknown. In summary, the available evidence is currently insufficient to determine the role of this variant in disease. Therefore, it has been classified as a Variant of Uncertain Significance.

NM_003014.4(SFRP4):c.2T>C (p.Met1Thr)

Gene: SFRP4 (secreted frizzled related protein 4; minus strand). Cytogenetic location: 7p14.1.
Variant type: single nucleotide variant.
Coding change: c.2T>C on transcript NM_003014.4 (MANE Select); coding-DNA position 2, T replaced by C.
Protein change: p.Met1Thr; changes the start codon (methionine 1).
Molecular consequence: missense variant, initiator codon variant.
Genome position (GRCh38, 1-based): chr7:37,916,536, A>G on the plus strand (T>C on the coding strand, the complement: SFRP4 is on the minus strand). VCF-style: chr7-37916536-A-G. GRCh37 (hg19) VCF-style: chr7-37956138-A-G.
Other names: short protein forms M1T.
Identifiers: ClinVar variation 1898294 (VCV001898294.5), dbSNP rs113389918, ClinGen allele CA4222989.